The following is an entry in ClinVar:

NM_031443.4(CCM2):c.864G>C (p.Glu288Asp)

Gene: CCM2 (CCM2 scaffold protein; plus strand). Cytogenetic location: 7p13.
Variant type: single nucleotide variant.
Coding change: c.864G>C on transcript NM_031443.4 (MANE Select); coding-DNA position 864, G replaced by C.
Protein change: p.Glu288Asp; replaces glutamic acid 288 with aspartic acid.
Molecular consequence: missense variant. On other transcripts: non-coding transcript variant (1).
Genome position (GRCh38, 1-based): chr7:45,073,520, G>C. VCF-style: chr7-45073520-G-C. GRCh37 (hg19) VCF-style: chr7-45113119-G-C.
Other names: c.927G>C, p.Glu309Asp (NM_001029835.2); c.690G>C, p.Glu230Asp (NM_001167934.2); c.591G>C, p.Glu197Asp (NM_001167935.2); c.987G>C, p.Glu329Asp (NM_001363458.2); c.813G>C, p.Glu271Asp (NM_001363459.2); short protein forms E271D, E197D, E230D, E288D, E329D, E309D.
Identifiers: ClinVar variation 4761897 (VCV004761897.1).

ClinVar aggregate classification (germline): Uncertain significance (1 of 4 stars; one submission).

Conditions:
Cerebral cavernous malformation 2. Also called: Familial Cerebral Cavernous Malformation 2. Identifiers: Orphanet 221061, MedGen C1864041, MONDO:0011304, OMIM 603284.

gnomAD v4.1: 10 of 1,613,238 alleles (0.00062%); highest among the groups gnomAD compares: Middle Eastern, 0.033%; no homozygotes.

Submission:

Labcorp Genetics (formerly Invitae), Labcorp
Classification: Uncertain significance for Cerebral cavernous malformation 2. Last evaluated: 2026-01-11. Review status: criteria provided, single submitter. Criteria: Invitae Variant Classification Sherloc (09022015). Collection method: clinical testing. Allele origin: germline.
Comment: This sequence change replaces glutamic acid, which is acidic and polar, with aspartic acid, which is acidic and polar, at codon 288 of the CCM2 protein (p.Glu288Asp). This variant is present in population databases (no rsID available, gnomAD 0.002%). This variant has not been reported in the literature in individuals affected with CCM2-related conditions. Invitae Evidence Modeling of protein sequence and biophysical properties (such as structural, functional, and spatial information, amino acid conservation, physicochemical variation, residue mobility, and thermodynamic stability) indicates that this missense variant is not expected to disrupt CCM2 protein function with a negative predictive value of 80%. In summary, the available evidence is currently insufficient to determine the role of this variant in disease. Therefore, it has been classified as a Variant of Uncertain Significance.